The following is an entry in ClinVar:

NM_000179.3(MSH6):c.1216_1224del (p.Cys406_Pro408del)

Gene: MSH6 (mutS homolog 6; plus strand). Cytogenetic location: 2p16.3.
Variant type: Deletion.
Coding change: c.1216_1224del on transcript NM_000179.3 (MANE Select); coding-DNA positions 1216 to 1224, 9 bases deleted (TGTACTCCT; older notation c.1216_1224delTGTACTCCT).
Protein change: p.Cys406_Pro408del.
Molecular consequence: inframe deletion. On other transcripts: non-coding transcript variant (4), intron variant (1).
Genome position (GRCh38, 1-based): chr2:47,799,199-47,799,207, TGTACTCCT deleted; deleting any 9 consecutive bases within chr2:47,799,197-47,799,207 gives the same sequence; the c. name uses the placement nearest the transcript's 3' end. VCF-style (leftmost placement, unchanged base first): chr2-47799196-TCTTGTACTC-T. GRCh37 (hg19) VCF-style: chr2-48026335-TCTTGTACTC-T.
Other names: c.826_834del, p.Cys276_Pro278del (NM_001281492.2); c.310_318del, p.Cys104_Pro106del (NM_001281493.2, NM_001281494.2, NM_001406811.1 and 6 more transcripts); c.1312_1320del, p.Cys438_Pro440del (NM_001406795.1, NM_001406802.1); c.1216_1224del, p.Cys406_Pro408del (NM_001406796.1, NM_001406798.1, NM_001406800.1 and 4 more transcripts); c.919_927del, p.Cys307_Pro309del (NM_001406797.1, NM_001406801.1, NM_001406805.1 and 10 more transcripts); c.691_699del, p.Cys231_Pro233del (NM_001406799.1, NM_001406806.1, NM_001406807.1); c.1138_1146del, p.Cys380_Pro382del (NM_001406804.1); c.1222_1230del, p.Cys408_Pro410del (NM_001406813.1); and 2 more.
Identifiers: ClinVar variation 2453168 (VCV002453168.2), dbSNP rs2530597312, ClinGen allele CA2580067524.

ClinVar aggregate classification (germline): Uncertain significance (1 of 4 stars; one submission).

Conditions:
Hereditary cancer-predisposing syndrome. Also called: Neoplastic Syndromes, Hereditary; Tumor predisposition; Hereditary neoplastic syndrome; Hereditary Cancer Syndrome. Identifiers: Orphanet 140162, MedGen C0027672, MeSH D009386, MONDO:0015356.

Submission:

Ambry Genetics
Classification: Uncertain significance for Hereditary cancer-predisposing syndrome. Last evaluated: 2022-12-14. Review status: criteria provided, single submitter. Criteria: Ambry Variant Classification Scheme 2023. Collection method: clinical testing. Allele origin: germline.
Comment: The c.1216_1224delTGTACTCCT variant (also known as p.C406_P408del) is located in coding exon 4 of the MSH6 gene. This variant results from an in-frame TGTACTCCT deletion at nucleotide positions 1216 to 1224. This results in the in-frame deletion of the cysteine, threonine and proline residues at codons 406-408. This amino acid region is well conserved in available vertebrate species. In addition, this alteration is predicted to be deleterious by in silico analysis (Choi Y et al. PLoS ONE. 2012; 7(10):e46688). Since supporting evidence is limited at this time, the clinical significance of this alteration remains unclear.